The following is an entry in ClinVar:

ClinVar aggregate classification (germline): Uncertain significance (1 of 4 stars; one submission).

Conditions:
Fanconi anemia complementation group O. Also called: RAD51C-Related Fanconi Anemia. Identifiers: Orphanet 84, MedGen C3150653, MONDO:0013248, OMIM 613390.

gnomAD v4.1: 1 of 1,610,612 alleles (0.000062%); highest among the groups gnomAD compares: East Asian, 0.0022%; no homozygotes.

Submission:

Labcorp Genetics (formerly Invitae), Labcorp
Classification: Uncertain significance for Fanconi anemia complementation group O. Last evaluated: 2024-04-25. Review status: criteria provided, single submitter. Criteria: Invitae Variant Classification Sherloc (09022015). Collection method: clinical testing. Allele origin: germline.
Comment: This sequence change replaces arginine, which is basic and polar, with glycine, which is neutral and non-polar, at codon 249 of the RAD51C protein (p.Arg249Gly). This variant is not present in population databases (gnomAD no frequency). This variant has not been reported in the literature in individuals affected with RAD51C-related conditions. ClinVar contains an entry for this variant (Variation ID: 1484591). Advanced modeling of protein sequence and biophysical properties (such as structural, functional, and spatial information, amino acid conservation, physicochemical variation, residue mobility, and thermodynamic stability) performed at Invitae indicates that this missense variant is expected to disrupt RAD51C protein function with a positive predictive value of 80%. In summary, the available evidence is currently insufficient to determine the role of this variant in disease. Therefore, it has been classified as a Variant of Uncertain Significance.

NM_058216.3(RAD51C):c.745C>G (p.Arg249Gly)

Gene: RAD51C (RAD51 paralog C; plus strand). Cytogenetic location: 17q22.
Variant type: single nucleotide variant.
Coding change: c.745C>G on transcript NM_058216.3 (MANE Select); coding-DNA position 745, C replaced by G.
Protein change: p.Arg249Gly; replaces arginine 249 with glycine.
Molecular consequence: missense variant. On other transcripts: non-coding transcript variant (1).
Genome position (GRCh38, 1-based): chr17:58,709,898, C>G. VCF-style: chr17-58709898-C-G. GRCh37 (hg19) VCF-style: chr17-56787259-C-G.
Other names: short protein forms R249G.
Identifiers: ClinVar variation 1484591 (VCV001484591.6), dbSNP rs28363311, ClinGen allele CA400353518.
Genomic context (GRCh38, chr17:58,709,898, plus strand): 5'-TATTATCTCTTCTGTATTTAGGTTCGACTAGTGATAGTGGATGGTATTGCTTTTCCATTT[C>G]GTCATGACCTAGATGACCTGTCTCTTCGTACTCGGTTATTAAATGGCCTAGCCCAGCAAA-3'
Protein context (NP_478123.1, residues 239-259): VIVDGIAFPF[Arg249Gly]HDLDDLSLRT